The following is an entry in ClinVar:

NM_001145860.2(POP1):c.1566A>C (p.Lys522Asn)

Gene: POP1 (POP1 ribonuclease P/MRP subunit; plus strand). Cytogenetic location: 8q22.2.
Variant type: single nucleotide variant.
Coding change: c.1566A>C on transcript NM_001145860.2 (MANE Select); coding-DNA position 1566, A replaced by C.
Protein change: p.Lys522Asn; replaces lysine 522 with asparagine.
Molecular consequence: missense variant.
Genome position (GRCh38, 1-based): chr8:98,140,860, A>C. VCF-style: chr8-98140860-A-C. GRCh37 (hg19) VCF-style: chr8-99153088-A-C.
Other names: c.1566A>C, p.Lys522Asn (NM_001145861.2, NM_015029.3); short protein forms K522N.
Identifiers: ClinVar variation 1263632 (VCV001263632.13), dbSNP rs17184326, ClinGen allele CA4820626.

ClinVar aggregate classification (germline): Benign. Review status: criteria provided, multiple submitters, no conflicts (2 of 4 stars). 4 submissions from 4 submitters: Benign (3). 1 of the submissions does not count toward it. Last evaluated 2026-02-03.

Conditions:
POP1-related disorder. Also called: POP1-related condition.

Allele frequency attached by ClinVar (database versions not stated): 1000 Genomes Project 0.10284; gnomAD exomes 0.12507 and 0.11312; gnomAD 0.13296 and 0.13671; 1000 Genomes Project 30x 0.10478; ExAC 0.11709; ESP Exome Variant Server 0.15378; TOPMed 0.13565.
gnomAD v4.1: 202,965 of 1,611,578 alleles (13%); highest among the groups gnomAD compares: Middle Eastern, 19%; 13,929 homozygotes.

Submissions (4):

Labcorp Genetics (formerly Invitae), Labcorp
Classification: Benign. Last evaluated: 2026-02-03. Review status: criteria provided, single submitter. Criteria: Invitae Variant Classification Sherloc (09022015). Collection method: clinical testing. Allele origin: germline.

GeneDx
Classification: Benign. Last evaluated: 2021-06-09. Review status: criteria provided, single submitter. Criteria: GeneDx Variant Classification Process June 2021. Collection method: clinical testing. Allele origin: germline. Affected: yes.
Comment: This variant is associated with the following publications: (PMID: 16741161)

Breakthrough Genomics
Classification: Benign. Review status: criteria provided, single submitter. Criteria: ACMG Guidelines, 2015. Collection method: not provided. Allele origin: germline. Inheritance: Autosomal recessive inheritance. Affected: yes.

PreventionGenetics, part of Exact Sciences
Classification: Benign for POP1-related condition. Last evaluated: 2019-10-30. Review status: no assertion criteria provided. Collection method: clinical testing. Allele origin: germline. Not counted in ClinVar's aggregate classification.
Comment: This variant is classified as benign based on ACMG/AMP sequence variant interpretation guidelines (Richards et al. 2015 PMID: 25741868, with internal and published modifications).